The following is an entry in ClinVar:

ClinVar aggregate classification (germline): Likely benign (0 of 4 stars; one submission).

Conditions:
ARHGAP32-related disorder. Also called: ARHGAP32-related condition.

Allele frequency attached by ClinVar (database versions not stated): 1000 Genomes Project 30x 0.00094; 1000 Genomes Project 0.00100; gnomAD 0.00139; TOPMed 0.00146; ExAC 0.00155; ESP Exome Variant Server 0.00169; gnomAD exomes 0.00233.
gnomAD v4.1: 3,618 of 1,614,166 alleles (0.22%); highest among the groups gnomAD compares: Non-Finnish European, 0.28%; no homozygotes.

Submission:

PreventionGenetics, part of Exact Sciences
Classification: Likely benign for ARHGAP32-related condition. Last evaluated: 2019-02-28. Review status: no assertion criteria provided. Collection method: clinical testing. Allele origin: germline.
Comment: This variant is classified as likely benign based on ACMG/AMP sequence variant interpretation guidelines (Richards et al. 2015 PMID: 25741868, with internal and published modifications).

NM_001378024.1(ARHGAP32):c.5832C>T (p.Ser1944=)

Gene: ARHGAP32 (Rho GTPase activating protein 32; minus strand). Cytogenetic location: 11q24.3.
Variant type: single nucleotide variant.
Coding change: c.5832C>T on transcript NM_001378024.1 (MANE Select); coding-DNA position 5832, C replaced by T.
Protein change: p.Ser1944=; no amino-acid change (serine 1944 retained).
Molecular consequence: synonymous variant.
Genome position (GRCh38, 1-based): chr11:128,969,381, G>A on the plus strand (C>T on the coding strand, the complement: ARHGAP32 is on the minus strand). VCF-style: chr11-128969381-G-A. GRCh37 (hg19) VCF-style: chr11-128839276-G-A.
Other names: c.5790C>T, p.Ser1930= (NM_001142685.2); c.5670C>T, p.Ser1890= (NM_001378025.1); c.4743C>T, p.Ser1581= (NM_014715.4).
Identifiers: ClinVar variation 3041632 (VCV003041632.2), dbSNP rs78689455, ClinGen allele CA6358311.